The following is an entry in ClinVar:

ClinVar aggregate classification (germline): Uncertain significance (1 of 4 stars; one submission).

Submission:

GeneDx
Classification: Uncertain significance. Last evaluated: 2022-05-27. Review status: criteria provided, single submitter. Criteria: GeneDx Variant Classification Process June 2021. Collection method: clinical testing. Allele origin: germline. Affected: yes.
Comment: Not observed at significant frequency in large population cohorts (gnomAD); In silico analysis supports that this missense variant does not alter protein structure/function; Has not been previously published as pathogenic or benign to our knowledge

NM_182961.4(SYNE1):c.16536T>G (p.Ile5512Met)

Gene: SYNE1 (spectrin repeat containing nuclear envelope protein 1; minus strand). Cytogenetic location: 6q25.2.
Variant type: single nucleotide variant.
Coding change: c.16536T>G on transcript NM_182961.4 (MANE Select); coding-DNA position 16536, T replaced by G.
Protein change: p.Ile5512Met; replaces isoleucine 5512 with methionine.
Molecular consequence: missense variant.
Genome position (GRCh38, 1-based): chr6:152,318,117, A>C on the plus strand (T>G on the coding strand, the complement: SYNE1 is on the minus strand). VCF-style: chr6-152318117-A-C. GRCh37 (hg19) VCF-style: chr6-152639252-A-C.
Other names: c.16323T>G, p.Ile5441Met (NM_033071.5); short protein forms I5441M, I5512M.
Identifiers: ClinVar variation 1801963 (VCV001801963.1), dbSNP rs2483640664, ClinGen allele CA366111368.